The following is an entry in ClinVar:

ClinVar aggregate classification (germline): Uncertain significance (1 of 4 stars; one submission).

Conditions:
Autosomal dominant childhood-onset proximal spinal muscular atrophy with contractures (SMALED2A). Also called: SPINAL MUSCULAR ATROPHY, LOWER EXTREMITY-PREDOMINANT, 2A, CHILDHOOD ONSET, AUTOSOMAL DOMINANT; Spinal muscular atrophy, lower extremity-predominant, 2A, autosomal dominant. Identifiers: Orphanet 363447, Orphanet 363454, MedGen C4747715, MONDO:0014121, OMIM 615290.

Allele frequency attached by ClinVar (database versions not stated): gnomAD exomes 0.00001; ExAC 0.00001; TOPMed 0.00002.
gnomAD v4.1: 14 of 1,612,510 alleles (0.00087%); highest among the groups gnomAD compares: Middle Eastern, 0.016%; no homozygotes.

Submission:

Labcorp Genetics (formerly Invitae), Labcorp
Classification: Uncertain significance for Autosomal dominant childhood-onset proximal spinal muscular atrophy with contractures. Last evaluated: 2025-06-23. Review status: criteria provided, single submitter. Criteria: Invitae Variant Classification Sherloc (09022015). Collection method: clinical testing. Allele origin: germline.
Comment: This sequence change replaces glutamic acid, which is acidic and polar, with lysine, which is basic and polar, at codon 469 of the BICD2 protein (p.Glu469Lys). This variant is present in population databases (rs756111549, gnomAD 0.006%). This variant has not been reported in the literature in individuals affected with BICD2-related conditions. ClinVar contains an entry for this variant (Variation ID: 2918928). Invitae Evidence Modeling of protein sequence and biophysical properties (such as structural, functional, and spatial information, amino acid conservation, physicochemical variation, residue mobility, and thermodynamic stability) indicates that this missense variant is not expected to disrupt BICD2 protein function with a negative predictive value of 80%. In summary, the available evidence is currently insufficient to determine the role of this variant in disease. Therefore, it has been classified as a Variant of Uncertain Significance.

NM_001003800.2(BICD2):c.1405G>A (p.Glu469Lys)

Gene: BICD2 (BICD cargo adaptor 2; minus strand). Cytogenetic location: 9q22.31.
Variant type: single nucleotide variant.
Coding change: c.1405G>A on transcript NM_001003800.2 (MANE Select); coding-DNA position 1405, G replaced by A.
Protein change: p.Glu469Lys; replaces glutamic acid 469 with lysine.
Molecular consequence: missense variant.
Genome position (GRCh38, 1-based): chr9:92,719,240, C>T on the plus strand (G>A on the coding strand, the complement: BICD2 is on the minus strand). VCF-style: chr9-92719240-C-T. GRCh37 (hg19) VCF-style: chr9-95481522-C-T.
Other names: c.1405G>A, p.Glu469Lys (NM_015250.4); short protein forms E469K.
Identifiers: ClinVar variation 2918928 (VCV002918928.3), dbSNP rs756111549, ClinGen allele CA5126562.